The following is an entry in ClinVar:

NM_000081.4(LYST):c.10283A>G (p.Asn3428Ser)

Gene: LYST (lysosomal trafficking regulator; minus strand). Cytogenetic location: 1q42.3.
Variant type: single nucleotide variant.
Coding change: c.10283A>G on transcript NM_000081.4 (MANE Select); coding-DNA position 10283, A replaced by G.
Protein change: p.Asn3428Ser; replaces asparagine 3428 with serine.
Molecular consequence: missense variant.
Genome position (GRCh38, 1-based): chr1:235,702,838, T>C on the plus strand (A>G on the coding strand, the complement: LYST is on the minus strand). VCF-style: chr1-235702838-T-C. GRCh37 (hg19) VCF-style: chr1-235866138-T-C.
Other names: c.10283A>G, p.Asn3428Ser (NM_001301365.1); short protein forms N3428S.
Identifiers: ClinVar variation 1409282 (VCV001409282.3), dbSNP rs370862028, ClinGen allele CA1465406.

ClinVar aggregate classification (germline): Uncertain significance (1 of 4 stars; one submission).

Conditions:
Chédiak-Higashi syndrome (CHS). Also called: Chediak-Higashi Syndrome. Identifiers: Orphanet 167, MedGen C0007965, MONDO:0008963, OMIM 214500.

Allele frequency attached by ClinVar (database versions not stated): gnomAD exomes below 0.00001; ExAC 0.00002; TOPMed 0.00002; gnomAD 0.00003; ESP Exome Variant Server 0.00008.
gnomAD v4.1: 12 of 1,614,104 alleles (0.00074%); highest among the groups gnomAD compares: African/African-American, 0.011%; no homozygotes.

Submission:

Labcorp Genetics (formerly Invitae), Labcorp
Classification: Uncertain significance for Chédiak-Higashi syndrome. Last evaluated: 2022-01-03. Review status: criteria provided, single submitter. Criteria: Invitae Variant Classification Sherloc (09022015). Collection method: clinical testing. Allele origin: germline.
Comment: This sequence change replaces asparagine, which is neutral and polar, with serine, which is neutral and polar, at codon 3428 of the LYST protein (p.Asn3428Ser). This variant is present in population databases (rs370862028, gnomAD 0.008%). This variant has not been reported in the literature in individuals affected with LYST-related conditions. Algorithms developed to predict the effect of missense changes on protein structure and function output the following: SIFT: "Tolerated"; PolyPhen-2: "Benign"; Align-GVGD: "Class C0". The serine amino acid residue is found in multiple mammalian species, which suggests that this missense change does not adversely affect protein function. In summary, the available evidence is currently insufficient to determine the role of this variant in disease. Therefore, it has been classified as a Variant of Uncertain Significance.